The following is an entry in ClinVar:

ClinVar aggregate classification (germline): Uncertain significance. Review status: criteria provided, multiple submitters, no conflicts (2 of 4 stars). 2 submissions from 2 submitters: Uncertain significance (2). Last evaluated 2025-08-09.

Conditions:
Inborn genetic diseases. Identifiers: MedGen C0950123, MeSH D030342.

Allele frequency attached by ClinVar (database versions not stated): gnomAD 0.00001; gnomAD exomes 0.00002; TOPMed 0.00003; ExAC 0.00005.
gnomAD v4.1: 26 of 1,611,938 alleles (0.0016%); highest among the groups gnomAD compares: African/African-American, 0.004%; no homozygotes.

Submissions (2):

Ambry Genetics
Classification: Uncertain significance for Inborn genetic diseases. Last evaluated: 2025-08-09. Review status: criteria provided, single submitter. Criteria: Ambry Variant Classification Scheme 2023. Collection method: clinical testing. Allele origin: germline.

Labcorp Genetics (formerly Invitae), Labcorp
Classification: Uncertain significance. Last evaluated: 2022-10-17. Review status: criteria provided, single submitter. Criteria: Invitae Variant Classification Sherloc (09022015). Collection method: clinical testing. Allele origin: germline.
Comment: This sequence change replaces arginine, which is basic and polar, with histidine, which is basic and polar, at codon 690 of the HPS1 protein (p.Arg690His). This variant is present in population databases (rs751380382, gnomAD 0.007%). This variant has not been reported in the literature in individuals affected with HPS1-related conditions. Advanced modeling of protein sequence and biophysical properties (such as structural, functional, and spatial information, amino acid conservation, physicochemical variation, residue mobility, and thermodynamic stability) performed at Invitae indicates that this missense variant is not expected to disrupt HPS1 protein function. In summary, the available evidence is currently insufficient to determine the role of this variant in disease. Therefore, it has been classified as a Variant of Uncertain Significance.

NM_000195.5(HPS1):c.2069G>A (p.Arg690His)

Gene: HPS1 (HPS1 biogenesis of lysosomal organelles complex 3 subunit 1; minus strand). Cytogenetic location: 10q24.2.
Variant type: single nucleotide variant.
Coding change: c.2069G>A on transcript NM_000195.5 (MANE Select); coding-DNA position 2069, G replaced by A.
Protein change: p.Arg690His; replaces arginine 690 with histidine.
Molecular consequence: missense variant.
Genome position (GRCh38, 1-based): chr10:98,417,598, C>T on the plus strand (G>A on the coding strand, the complement: HPS1 is on the minus strand). VCF-style: chr10-98417598-C-T. GRCh37 (hg19) VCF-style: chr10-100177355-C-T.
Other names: c.1097G>A, p.Arg366His (NM_001311345.2, NM_001322487.2, NM_001322489.2); c.2069G>A, p.Arg690His (NM_001322476.2, NM_001322477.2); c.1970G>A, p.Arg657His (NM_001322478.2, NM_001322479.2); c.1808G>A, p.Arg603His (NM_001322480.2, NM_001322481.2); c.1709G>A, p.Arg570His (NM_001322482.2); c.1700G>A, p.Arg567His (NM_001322483.2, NM_001322484.2); c.1601G>A, p.Arg534His (NM_001322485.2); c.2069G>A (NM_000195.3); short protein forms R570H, R603H, R657H, R567H, R690H, R366H, R534H.
Identifiers: ClinVar variation 2201407 (VCV002201407.3), dbSNP rs751380382, ClinGen allele CA5638790.